The following is an entry in ClinVar:

ClinVar aggregate classification (germline): Pathogenic (1 of 4 stars; one submission).

Conditions:
Brown-Vialetto-van Laere syndrome 2. Also called: SPINOCEREBELLAR ATAXIA WITH BLINDNESS AND DEAFNESS 2; Riboflavin transporter deficiency type 2. Identifiers: Orphanet 572543, Orphanet 97229, MedGen C3553538, MONDO:0013867, OMIM 614707.

Submission:

Labcorp Genetics (formerly Invitae), Labcorp
Classification: Pathogenic for Brown-Vialetto-van Laere syndrome 2. Last evaluated: 2022-11-17. Review status: criteria provided, single submitter. Criteria: Invitae Variant Classification Sherloc (09022015). Collection method: clinical testing. Allele origin: germline.
Comment: For these reasons, this variant has been classified as Pathogenic. This variant has not been reported in the literature in individuals affected with SLC52A2-related conditions. This variant is not present in population databases (gnomAD no frequency). This sequence change creates a premature translational stop signal (p.Ala199Hisfs*2) in the SLC52A2 gene. It is expected to result in an absent or disrupted protein product. Loss-of-function variants in SLC52A2 are known to be pathogenic (PMID: 24253200).

Literature cited by the submitters: PubMed 24253200.

NM_001363118.2(SLC52A2):c.595del (p.Ala199fs)

Gene: SLC52A2 (solute carrier family 52 member 2; plus strand). Cytogenetic location: 8q24.3.
Variant type: Deletion.
Coding change: c.595del on transcript NM_001363118.2 (MANE Select); coding-DNA position 595, one base deleted (G; older notation c.595delG).
Protein change: p.Ala199fs; shifts the reading frame from alanine 199.
Molecular consequence: frameshift variant. On other transcripts: non-coding transcript variant (1), intron variant (1).
Genome position (GRCh38, 1-based): chr8:144,360,087, G deleted; the last of 3 consecutive G bases (chr8:144,360,085-144,360,087); deleting any one gives the same sequence. VCF-style (leftmost placement, unchanged base first): chr8-144360084-TG-T. GRCh37 (hg19) VCF-style: chr8-145583744-TG-T.
Other names: c.595del, p.Ala199fs (NM_001253815.2, NM_001253816.2, NM_001363120.2 and 2 more transcripts); c.331del, p.Ala111fs (NM_001410949.1); c.131-28del (NM_001363122.2); short protein forms A111fs, A199fs.
Identifiers: ClinVar variation 2730872 (VCV002730872.3), dbSNP rs1818749779, ClinGen allele CA1120273905.
Genomic context (GRCh38, chr8:144,360,084, plus strand): 5'-AACGGCACCCCTGGCCCCCCGCTCGACTTCCTTGAGCGTTTTCCCGCCAGCACCTTCTTC[TG>T]GGCACTGACTGCCCTTCTGGTCGCTTCAGCTGCTGCCTTCCAGGGTCTTCTGCTGCTGTT-3'